The following is an entry in ClinVar:

NC_000019.9:g.(?_11541499)_(11545857_?)del

Gene: ODAD3 (outer dynein arm docking complex subunit 3; minus strand). Cytogenetic location: 19p13.2.
Variant type: Deletion.
Identifiers: ClinVar variation 830990 (VCV000830990.1).

ClinVar aggregate classification (germline): Pathogenic (1 of 4 stars; one submission).

Conditions:
Primary ciliary dyskinesia 30. Also called: CILIARY DYSKINESIA, PRIMARY, 30, WITH OR WITHOUT SITUS INVERSUS. Identifiers: Orphanet 244, MedGen C4015016, MONDO:0014465, OMIM 616037.

Submission:

Labcorp Genetics (formerly Invitae), Labcorp
Classification: Pathogenic for Primary ciliary dyskinesia 30. Last evaluated: 2019-08-23. Review status: criteria provided, single submitter. Criteria: Invitae Variant Classification Sherloc (09022015). Collection method: clinical testing. Allele origin: germline.
Comment: This variant is a gross deletion of the genomic region encompassing exons 1-3 of the CCDC151 gene, which includes the initiator codon. The 5' end of this event is unknown as it extends beyond the assayed region for this gene and therefore may encompass additional genes. The 3' boundary is likely confined to intron 3 of the CCDC151 gene. This is expected to result in an absent or disrupted protein product. This variant has not been reported in the literature in individuals with CCDC151-related conditions. Loss-of-function variants in CCDC151 are known to be pathogenic (PMID: 25192045). For these reasons, this variant has been classified as Pathogenic.